The following is an entry in ClinVar:

NM_032043.3(BRIP1):c.3485C>G (p.Ser1162Ter)

Gene: BRIP1 (BRCA1 interacting DNA helicase 1; minus strand). Cytogenetic location: 17q23.2.
Variant type: single nucleotide variant.
Coding change: c.3485C>G on transcript NM_032043.3 (MANE Select); coding-DNA position 3485, C replaced by G.
Protein change: p.Ser1162Ter; replaces serine 1162 with a stop codon.
Molecular consequence: nonsense.
Genome position (GRCh38, 1-based): chr17:61,683,561, G>C on the plus strand (C>G on the coding strand, the complement: BRIP1 is on the minus strand). VCF-style: chr17-61683561-G-C. GRCh37 (hg19) VCF-style: chr17-59760922-G-C.
Other names: short protein forms S1162*.
Identifiers: ClinVar variation 4533161 (VCV004533161.1).

ClinVar aggregate classification (germline): Uncertain significance (1 of 4 stars; one submission).

Submission:

Quest Diagnostics Nichols Institute San Juan Capistrano
Classification: Uncertain significance. Last evaluated: 2025-11-03. Review status: criteria provided, single submitter. Criteria: Quest Diagnostics criteria. Collection method: clinical testing. Allele origin: unknown.
Comment: The BRIP1 c.3485C>G (p.Ser1162*) variant is predicted to cause the premature termination of BRIP1 protein synthesis. This deletion is not expected to cause loss of protein expression through nonsense-mediated decay. However, it may still disrupt protein function. This variant has not been reported in individuals with BRIP1-related conditions in the published literature. This variant has not been reported in large, multi-ethnic general populations (Genome Aggregation Database). Based on the available information, we are unable to determine the clinical significance of this variant.